The following is an entry in ClinVar:

ClinVar aggregate classification (germline): Likely benign (1 of 4 stars; one submission).

Allele frequency attached by ClinVar (database versions not stated): gnomAD 0.00429; TOPMed 0.00466; 1000 Genomes Project 0.00519; 1000 Genomes Project 30x 0.00562.
gnomAD v4.1: 644 of 152,280 alleles (0.42%); highest among the groups gnomAD compares: African/African-American, 1.4%; 8 homozygotes.

Submission:

GeneDx
Classification: Likely benign. Last evaluated: 2020-02-03. Review status: criteria provided, single submitter. Criteria: GeneDx Variant Classification Process June 2021. Collection method: clinical testing. Allele origin: germline. Affected: yes.
Comment: See Variant Classification Assertion Criteria.

NM_000230.3(LEP):c.145-209G>T

Gene: LEP (leptin; plus strand). Cytogenetic location: 7q32.1.
Variant type: single nucleotide variant.
Coding change: c.145-209G>T on transcript NM_000230.3 (MANE Select); 209 bases into the intron before coding-DNA position 145, G replaced by T.
Molecular consequence: intron variant.
Genome position (GRCh38, 1-based): chr7:128,254,195, G>T. VCF-style: chr7-128254195-G-T. GRCh37 (hg19) VCF-style: chr7-127894248-G-T.
Identifiers: ClinVar variation 1707063 (VCV001707063.2), dbSNP rs113112089, ClinGen allele CA166745102.